The following is an entry in ClinVar:

ClinVar aggregate classification (germline): Uncertain significance. Review status: criteria provided, multiple submitters, no conflicts (2 of 4 stars). 2 submissions from 2 submitters: Uncertain significance (2). Last evaluated 2023-05-01.

Conditions:
Cardiovascular phenotype. Identifiers: MedGen CN230736.
EPHB4-related disorder. Also called: EPHB4-related condition; EPHB4-related disorders.

Allele frequency attached by ClinVar (database versions not stated): ExAC 0.00005.
gnomAD v4.1: 3 of 1,559,422 alleles (0.00019%); highest among the groups gnomAD compares: Non-Finnish European, 0.00026%; no homozygotes.

Submissions (2):

Ambry Genetics
Classification: Uncertain significance for Cardiovascular phenotype. Last evaluated: 2023-05-01. Review status: criteria provided, single submitter. Criteria: Ambry Variant Classification Scheme 2023. Collection method: clinical testing. Allele origin: germline.
Comment: The p.A345G variant (also known as c.1034C>G), located in coding exon 6 of the EPHB4 gene, results from a C to G substitution at nucleotide position 1034. The alanine at codon 345 is replaced by glycine, an amino acid with similar properties. This amino acid position is conserved. In addition, this alteration is predicted to be tolerated by in silico analysis. Since supporting evidence is limited at this time, the clinical significance of this alteration remains unclear.

PreventionGenetics, part of Exact Sciences
Classification: Uncertain significance for EPHB4-related condition. Last evaluated: 2022-09-01. Review status: criteria provided, single submitter. Criteria: ACMG Guidelines, 2015. Collection method: clinical testing. Allele origin: germline.
Comment: The EPHB4 c.1034C>G variant is predicted to result in the amino acid substitution p.Ala345Gly. To our knowledge, this variant has not been reported in the literature. This variant is reported in 0.0026% of alleles in individuals of European (Non-Finnish) descent in gnomAD. At this time, the clinical significance of this variant is uncertain due to the absence of conclusive functional and genetic evidence.

NM_004444.5(EPHB4):c.1034C>G (p.Ala345Gly)

Gene: EPHB4 (EPH receptor B4; minus strand). Cytogenetic location: 7q22.1.
Variant type: single nucleotide variant.
Coding change: c.1034C>G on transcript NM_004444.5 (MANE Select); coding-DNA position 1034, C replaced by G.
Protein change: p.Ala345Gly; replaces alanine 345 with glycine.
Molecular consequence: missense variant.
Genome position (GRCh38, 1-based): chr7:100,819,820, G>C on the plus strand (C>G on the coding strand, the complement: EPHB4 is on the minus strand). VCF-style: chr7-100819820-G-C. GRCh37 (hg19) VCF-style: chr7-100417442-G-C.
Other names: short protein forms A345G.
Identifiers: ClinVar variation 2565149 (VCV002565149.3), dbSNP rs756541015, ClinGen allele CA4393122.